The following is an entry in ClinVar:

NM_001112741.2(KCNC1):c.1433C>T (p.Ser478Phe)

Gene: KCNC1 (potassium voltage-gated channel subfamily C member 1; plus strand). Cytogenetic location: 11p15.1.
Variant type: single nucleotide variant.
Coding change: c.1433C>T on transcript NM_001112741.2 (MANE Select); coding-DNA position 1433, C replaced by T.
Protein change: p.Ser478Phe; replaces serine 478 with phenylalanine.
Molecular consequence: missense variant.
Genome position (GRCh38, 1-based): chr11:17,772,527, C>T. VCF-style: chr11-17772527-C-T. GRCh37 (hg19) VCF-style: chr11-17794074-C-T.
Other names: c.1433C>T, p.Ser478Phe (NM_004976.4); short protein forms S478F.
Identifiers: ClinVar variation 4882710 (VCV004882710.2).

ClinVar aggregate classification (germline): Uncertain significance (1 of 4 stars; one submission).

Submission:

Dasa
Classification: Uncertain significance. Last evaluated: 2025-09-19. Review status: criteria provided, single submitter. Criteria: DASA Assertion Criteria. Collection method: clinical testing. Allele origin: germline.
Comment: NM_001112741.2(KCNC1):c.1433C>T (p.Ser478Phe) is a missense variant that results in the substitution of serine with phenylalanine. This variant is absent from population databases. The currently available literature and clinical evidence are not sufficient to establish a definitive association between this variant and the reported condition. Therefore, this variant is classified as a variant of uncertain significance.